The following is an entry in ClinVar:

ClinVar aggregate classification (germline): Uncertain significance (1 of 4 stars; one submission).

Conditions:
Dilated cardiomyopathy 1G (CMD1G). Identifiers: Orphanet 154, MedGen C1858763, MONDO:0011400, OMIM 604145.
Autosomal recessive limb-girdle muscular dystrophy type 2J (LGMDR10). Also called: Limb-girdle muscular dystrophy, type 2J; MUSCULAR DYSTROPHY, LIMB-GIRDLE, AUTOSOMAL RECESSIVE 10. Identifiers: Orphanet 140922, MedGen C1837342, MONDO:0012127, OMIM 608807.

Submission:

Labcorp Genetics (formerly Invitae), Labcorp
Classification: Uncertain significance for Dilated cardiomyopathy 1G; Autosomal recessive limb-girdle muscular dystrophy type 2J. Last evaluated: 2022-07-01. Review status: criteria provided, single submitter. Criteria: Invitae Variant Classification Sherloc (09022015). Collection method: clinical testing. Allele origin: germline.
Comment: This variant has not been reported in the literature in individuals affected with TTN-related conditions. This variant is not present in population databases (gnomAD no frequency). This sequence change replaces glutamine, which is neutral and polar, with histidine, which is basic and polar, at codon 35782 of the TTN protein (p.Gln35782His). Experimental studies and prediction algorithms are not available or were not evaluated, and the functional significance of this variant is currently unknown. This variant is located in the M band of TTN (PMID: 25589632). Variants in this region may be relevant for neuromuscular disorders, but have not been definitively shown to cause cardiomyopathy (PMID: 23975875). In summary, the available evidence is currently insufficient to determine the role of this variant in disease. Therefore, it has been classified as a Variant of Uncertain Significance.

Literature cited by the submitters: PubMed 25589632; PubMed 23975875.

NM_001267550.2(TTN):c.107346G>C (p.Gln35782His)

Genes: TTN (titin; minus strand), TTN-AS1 (TTN antisense RNA 1; plus strand). Cytogenetic location: 2q31.2.
Variant type: single nucleotide variant.
Coding change: c.107346G>C on transcript NM_001267550.2 (MANE Select); coding-DNA position 107346, G replaced by C.
Protein change: p.Gln35782His; replaces glutamine 35782 with histidine.
Molecular consequence: missense variant.
Genome position (GRCh38, 1-based): chr2:178,528,305, C>G on the plus strand (G>C on the coding strand, the complement: TTN is on the minus strand). VCF-style: chr2-178528305-C-G. GRCh37 (hg19) VCF-style: chr2-179393032-C-G.
Other names: c.102423G>C, p.Gln34141His (NM_001256850.1); c.80151G>C, p.Gln26717His (NM_003319.4); c.99642G>C, p.Gln33214His (NM_133378.4); c.80526G>C, p.Gln26842His (NM_133432.3); c.80727G>C, p.Gln26909His (NM_133437.4); short protein forms Q34141H, Q35782H, Q26717H, Q26909H, Q26842H, Q33214H.
Identifiers: ClinVar variation 2012781 (VCV002012781.4), dbSNP rs1687432746, ClinGen allele CA349401273.
Genomic context (GRCh38, chr2:178,528,305, plus strand): 5'-GTAAGGAAGAAGGGTGAGGAGATACTTACGAAGGACCATTAAGGAAGCTGTAGCTGAACA[C>G]TGGCCACGGAAATTTTTGGCCTTAATTGTGTACTTTCCACTGTCGCTGACTGATGCATTT-3'
Protein context (NP_001254479.2, residues 35772-35792): YTIKAKNFRG[Gln35782His]CSATASLMVL